The following is an entry in ClinVar:

ClinVar aggregate classification (germline): Pathogenic (1 of 4 stars; one submission).

Conditions:
Hereditary nonpolyposis colorectal neoplasms. Identifiers: MedGen C0009405, MeSH D003123.

Submission:

Labcorp Genetics (formerly Invitae), Labcorp
Classification: Pathogenic for Hereditary nonpolyposis colorectal neoplasms. Last evaluated: 2019-01-29. Review status: criteria provided, single submitter. Criteria: Invitae Variant Classification Sherloc (09022015). Collection method: clinical testing. Allele origin: germline.
Comment: This sequence change creates a premature translational stop signal (p.Val615Serfs*13) in the PMS2 gene. It is expected to result in an absent or disrupted protein product. This variant is not present in population databases (ExAC no frequency). This variant has not been reported in the literature in individuals with PMS2-related conditions. Loss-of-function variants in PMS2 are known to be pathogenic (PMID: 21376568, 24362816). For these reasons, this variant has been classified as Pathogenic.

Literature cited by the submitters: PubMed 21376568; PubMed 24362816.

NM_000535.7(PMS2):c.1842dup (p.Val615fs)

Gene: PMS2 (PMS1 homolog 2, mismatch repair system component; minus strand). Cytogenetic location: 7p22.1.
Variant type: Duplication.
Coding change: c.1842dup on transcript NM_000535.7 (MANE Select); coding-DNA position 1842, one base duplicated (A; older notation c.1842dupA).
Protein change: p.Val615fs; shifts the reading frame from valine 615.
Molecular consequence: frameshift variant. On other transcripts: non-coding transcript variant (1).
Genome position (GRCh38, 1-based): chr7:5,986,923, T duplicated on the plus strand (A on the coding strand, the reverse complement: PMS2 is on the minus strand); the first of 3 consecutive T bases (chr7:5,986,923-5,986,925); duplicating any one gives the same sequence. VCF-style (leftmost placement, unchanged base first): chr7-5986922-C-CT. GRCh37 (hg19) VCF-style: chr7-6026553-C-CT.
Other names: c.1437dup, p.Val480fs (NM_001322003.2, NM_001322004.2, NM_001322005.2 and 1 more transcripts); c.1686dup, p.Val563fs (NM_001322006.2); c.1524dup, p.Val509fs (NM_001322007.2, NM_001322008.2); c.1281dup, p.Val428fs (NM_001322010.2); c.909dup, p.Val304fs (NM_001322011.2, NM_001322012.2); c.1269dup, p.Val424fs (NM_001322013.2); c.1842dup, p.Val615fs (NM_001322014.2); c.1533dup, p.Val512fs (NM_001322015.2); short protein forms V512fs, V304fs, V424fs, V428fs, V615fs, V509fs, V563fs, V480fs.
Identifiers: ClinVar variation 837672 (VCV000837672.7), dbSNP rs1782962828, ClinGen allele CA916079941.